The following is an entry in ClinVar:

NM_007294.4(BRCA1):c.287A>T (p.Asp96Val)

Gene: BRCA1 (BRCA1 DNA repair associated; minus strand). Cytogenetic location: 17q21.31.
Variant type: single nucleotide variant.
Coding change: c.287A>T on transcript NM_007294.4 (MANE Select); coding-DNA position 287, A replaced by T.
Protein change: p.Asp96Val; replaces aspartic acid 96 with valine.
Molecular consequence: missense variant. On other transcripts: non-coding transcript variant (1).
Genome position (GRCh38, 1-based): chr17:43,104,882, T>A on the plus strand (A>T on the coding strand, the complement: BRCA1 is on the minus strand). VCF-style: chr17-43104882-T-A. GRCh37 (hg19) VCF-style: chr17-41256899-T-A.
Other names: c.77A>T, p.Asp26Val (NM_001407952.1, NM_001407953.1, NM_001407954.1 and 58 more transcripts); c.-95A>T (NM_001407959.1, NM_001407960.1, NM_001407962.1 and 4 more transcripts); c.146A>T, p.Asp49Val (NM_001407964.1, NM_001408410.1, NM_001408452.1 and 99 more transcripts); c.287A>T, p.Asp96Val (NM_001407968.1, NM_001407969.1, NM_001407970.1 and 168 more transcripts); c.209A>T, p.Asp70Val (NM_001408409.1, NM_001408411.1, NM_001408412.1 and 21 more transcripts); c.155A>T, p.Asp52Val (NM_001408451.1); short protein forms D49V, D96V, D26V, D70V, D52V.
Identifiers: ClinVar variation 868827 (VCV000868827.7), dbSNP rs864622444, ClinGen allele CA10601579.

ClinVar aggregate classification (germline): Pathogenic/Likely pathogenic. Review status: criteria provided, multiple submitters, no conflicts (2 of 4 stars). 2 submissions from 2 submitters: Pathogenic (1); Likely pathogenic (1). Last evaluated 2024-06-19.

Conditions:
Hereditary breast ovarian cancer syndrome. Also called: Hereditary breast and ovarian cancer; Hereditary breast and ovarian cancer syndrome (HBOC); Breast and ovarian cancer; Hereditary breast and/or ovarian cancer syndrome; BRCA1- and BRCA2-Associated Hereditary Breast and Ovarian Cancer; Hereditary breast and ovarian cancer syndrome. Identifiers: Orphanet 145, MedGen C0677776, MeSH D061325, MONDO:0003582. Disease mechanism: loss of function.
Hereditary cancer-predisposing syndrome. Also called: Neoplastic Syndromes, Hereditary; Tumor predisposition; Hereditary Cancer Syndrome; Hereditary neoplastic syndrome. Identifiers: Orphanet 140162, MedGen C0027672, MeSH D009386, MONDO:0015356.

Allele frequency attached by ClinVar (database versions not stated): gnomAD exomes below 0.00001.
gnomAD v4.1: 1 of 1,613,858 alleles (0.000062%); highest among the groups gnomAD compares: Non-Finnish European, 0.000085%; no homozygotes.

Submissions (3):

Labcorp Genetics (formerly Invitae), Labcorp
Classification: Likely pathogenic for Hereditary breast ovarian cancer syndrome. Last evaluated: 2024-06-19. Review status: criteria provided, single submitter. Criteria: Invitae Variant Classification Sherloc (09022015). Collection method: clinical testing. Allele origin: germline.
Comment: This sequence change replaces aspartic acid, which is acidic and polar, with valine, which is neutral and non-polar, at codon 96 of the BRCA1 protein (p.Asp96Val). This variant is not present in population databases (gnomAD no frequency). This missense change has been observed in individual(s) with breast cancer (PMID: 18835712). ClinVar contains an entry for this variant (Variation ID: 868827). Advanced modeling performed at Invitae incorporating data from internal and/or published experimental studies (PMID: 30209399) indicates that this missense variant is expected to disrupt BRCA1 function with a positive predictive value of 95%. This variant disrupts the p.Asp96 amino acid residue in BRCA1. Other variant(s) that disrupt this residue have been determined to be pathogenic (PMID: 30209399; Invitae). This suggests that this residue is clinically significant, and that variants that disrupt this residue are likely to be disease-causing. In summary, the currently available evidence indicates that the variant is pathogenic, but additional data are needed to prove that conclusively. Therefore, this variant has been classified as Likely Pathogenic.

Ambry Genetics
Classification: Pathogenic for Hereditary cancer-predisposing syndrome. Last evaluated: 2021-11-24. Review status: criteria provided, single submitter. Criteria: Ambry Variant Classification Scheme 2023. Collection method: clinical testing. Allele origin: germline.
Comment: The p.D96V variant (also known as c.287A>T), located in coding exon 4 of the BRCA1 gene, results from an A to T substitution at nucleotide position 287. The aspartic acid at codon 96 is replaced by valine, an amino acid with highly dissimilar properties. One functional study found that this nucleotide substitution is non-functional in a high-throughput, genome editing, haploid cell survival assay (Findlay GM et al. Nature, 2018 10;562:217-222). Additional alterations at the same codon have also been found to cause loss of function and have been detected in individuals with breast and/or ovarian cancer (Findlay GM et al. Nature, 2018 10;562:217-222; Ambry internal data). This variant is considered to be rare based on population cohorts in the Genome Aggregation Database (gnomAD). This amino acid position is highly conserved in available vertebrate species. In addition, this alteration is predicted to be deleterious by in silico analysis. Based on the supporting evidence, this alteration is interpreted as a disease-causing mutation.

Brotman Baty Institute, University of Washington
No classification provided (evidence only). Condition: Breast-ovarian cancer, familial 1. Review status: no classification provided. Collection method: in vitro. Allele origin: not applicable. Functional consequence: functionally_abnormal. Not counted in ClinVar's aggregate classification.
ClinVar note: "not provided" was previously submitted as the classification for the variant. However, the classification appeared to be based only on an observation of functional data so it was converted to no classification on 2025-07-30.

Literature cited by the submitters: PubMed 18835712 (cited by Labcorp Genetics (formerly Invitae), Labcorp and Ambry Genetics); PubMed 30209399 (cited by Labcorp Genetics (formerly Invitae), Labcorp and Ambry Genetics).